The following is an entry in ClinVar:

NM_015340.4(LARS2):c.739G>A (p.Ala247Thr)

Gene: LARS2 (leucyl-tRNA synthetase 2, mitochondrial; plus strand). Cytogenetic location: 3p21.31.
Variant type: single nucleotide variant.
Coding change: c.739G>A on transcript NM_015340.4 (MANE Select); coding-DNA position 739, G replaced by A.
Protein change: p.Ala247Thr; replaces alanine 247 with threonine.
Molecular consequence: missense variant.
Genome position (GRCh38, 1-based): chr3:45,458,875, G>A. VCF-style: chr3-45458875-G-A. GRCh37 (hg19) VCF-style: chr3-45500367-G-A.
Other names: c.739G>A, p.Ala247Thr (NM_001368263.1); short protein forms A247T.
Identifiers: ClinVar variation 1327382 (VCV001327382.5), dbSNP rs142506388, ClinGen allele CA2349397.
Genomic context (GRCh38, chr3:45,458,875, plus strand): 5'-TGGCGTTCTGGAGCAAAGGTGGAACAGAAGTACCTCAGACAATGGTTTATTAAGACAACC[G>A]CTTATGCAAAGGTGAGTGTCAGCCTGGAGGCTCCCCACTAATGCCTTACATGCTGGCAGG-3'
Protein context (NP_056155.1, residues 237-257): YLRQWFIKTT[Ala247Thr]YAKAMQDALA

ClinVar aggregate classification (germline): Uncertain significance. Review status: criteria provided, multiple submitters, no conflicts (2 of 4 stars). 4 submissions from 4 submitters: Uncertain significance (4). Last evaluated 2024-11-14.

Conditions:
Inborn genetic diseases. Identifiers: MedGen C0950123, MeSH D030342.

Allele frequency attached by ClinVar (database versions not stated): gnomAD 0.00001 and 0.00002; TOPMed 0.00004; ExAC 0.00005; gnomAD exomes 0.00005 and 0.00006; ESP Exome Variant Server 0.00008.
gnomAD v4.1: 98 of 1,613,846 alleles (0.0061%); highest among the groups gnomAD compares: Admixed American, 0.0083%; no homozygotes.

Submissions (4):

Ambry Genetics
Classification: Uncertain significance for Inborn genetic diseases. Last evaluated: 2024-11-14. Review status: criteria provided, single submitter. Criteria: Ambry Variant Classification Scheme 2023. Collection method: clinical testing. Allele origin: germline.

Blueprint Genetics
Classification: Uncertain significance. Last evaluated: 2024-09-03. Review status: criteria provided, single submitter. Criteria: ACMG Guidelines, 2015. Collection method: clinical testing. Allele origin: germline.

Labcorp Genetics (formerly Invitae), Labcorp
Classification: Uncertain significance. Last evaluated: 2022-07-01. Review status: criteria provided, single submitter. Criteria: Invitae Variant Classification Sherloc (09022015). Collection method: clinical testing. Allele origin: germline.
Comment: This sequence change replaces alanine, which is neutral and non-polar, with threonine, which is neutral and polar, at codon 247 of the LARS2 protein (p.Ala247Thr). This variant is present in population databases (rs142506388, gnomAD 0.02%). This variant has not been reported in the literature in individuals affected with LARS2-related conditions. ClinVar contains an entry for this variant (Variation ID: 1327382). Algorithms developed to predict the effect of missense changes on protein structure and function (SIFT, PolyPhen-2, Align-GVGD) all suggest that this variant is likely to be tolerated. In summary, the available evidence is currently insufficient to determine the role of this variant in disease. Therefore, it has been classified as a Variant of Uncertain Significance.

GeneDx
Classification: Uncertain significance. Last evaluated: 2021-07-16. Review status: criteria provided, single submitter. Criteria: GeneDx Variant Classification Process June 2021. Collection method: clinical testing. Allele origin: germline. Affected: yes.
Comment: In silico analysis supports that this missense variant does not alter protein structure/function; Has not been previously published as pathogenic or benign to our knowledge; This variant is associated with the following publications: (PMID: 27535533)